The following is an entry in ClinVar:

NM_004655.4(AXIN2):c.1200+8G>A

Gene: AXIN2 (axin 2; minus strand). Cytogenetic location: 17q24.1.
Variant type: single nucleotide variant.
Coding change: c.1200+8G>A on transcript NM_004655.4 (MANE Select); 8 bases into the intron after coding-DNA position 1200, G replaced by A.
Molecular consequence: intron variant.
Genome position (GRCh38, 1-based): chr17:65,538,195, C>T on the plus strand (G>A on the coding strand, the complement: AXIN2 is on the minus strand). VCF-style: chr17-65538195-C-T. GRCh37 (hg19) VCF-style: chr17-63534313-C-T.
Other names: c.1200+8G>A (NM_001363813.1, LRG_296t1).
Identifiers: ClinVar variation 464524 (VCV000464524.18), dbSNP rs776372607, ClinGen allele CA8718832.
Genomic context (GRCh38, chr17:65,538,195, plus strand): 5'-ACATGCGCATACACATACGAGCGCTCACGCCGTGGACGGAAGCAGGAAGAAGGCCTAGGC[C>T]GCATTACCTCTCGGATCTGCTGCAGGCGCTCCTCCAGGCTGTGGCGGCTCTCCAACTCCA-3'

ClinVar aggregate classification (germline): Benign/Likely benign. Review status: criteria provided, multiple submitters, no conflicts (2 of 4 stars). 4 submissions from 4 submitters: Benign (1); Likely benign (3). Last evaluated 2026-01-04.

Conditions:
Oligodontia-cancer predisposition syndrome. Also called: TOOTH AGENESIS-COLORECTAL CANCER SYNDROME. Identifiers: Orphanet 300576, MedGen C1837750, MONDO:0012075, OMIM 608615. Disease mechanism: loss of function.

Allele frequency attached by ClinVar (database versions not stated): gnomAD 0.00001; gnomAD exomes 0.00001 and 0.00003; TOPMed 0.00001; ExAC 0.00003.
gnomAD v4.1: 23 of 1,614,102 alleles (0.0014%); highest among the groups gnomAD compares: East Asian, 0.018%; no homozygotes.

Submissions (4):

Labcorp Genetics (formerly Invitae), Labcorp
Classification: Likely benign for Oligodontia-cancer predisposition syndrome. Last evaluated: 2026-01-04. Review status: criteria provided, single submitter. Criteria: Invitae Variant Classification Sherloc (09022015). Collection method: clinical testing. Allele origin: germline.

Center for Genomic Medicine, Rigshospitalet, Copenhagen University Hospital
Classification: Likely benign. Last evaluated: 2025-03-04. Review status: criteria provided, single submitter. Criteria: ACMG Guidelines, 2015. Collection method: clinical testing. Allele origin: germline.

Myriad Genetics, Inc.
Classification: Likely benign for Oligodontia-cancer predisposition syndrome. Last evaluated: 2024-07-01. Review status: criteria provided, single submitter. Criteria: Myriad Autosomal Dominant, Autosomal Recessive and X-Linked Classification Criteria (2023). Collection method: clinical testing. Allele origin: unknown.
Comment: This variant is considered likely benign. This variant is intronic and is not expected to impact mRNA splicing.

Illumina Laboratory Services, Illumina
Classification: Benign for Oligodontia-cancer predisposition syndrome. Last evaluated: 2018-01-13. Review status: criteria provided, single submitter. Criteria: ICSL Variant Classification Criteria 13 December 2019. Collection method: clinical testing. Allele origin: germline.
Comment: This variant was observed in the ICSL laboratory as part of a predisposition screen in an ostensibly healthy population. It had not been previously curated by ICSL or reported in the Human Gene Mutation Database (HGMD: prior to June 1st, 2018), and was therefore a candidate for classification through an automated scoring system. Utilizing variant allele frequency, disease prevalence and penetrance estimates, and inheritance mode, an automated score was calculated to assess if this variant is too frequent to cause the disease. Based on the score and internal cut-off values, a variant classified as benign is not then subjected to further curation. The score for this variant resulted in a classification of benign for this disease.